The following is an entry in ClinVar:

ClinVar aggregate classification (germline): Uncertain significance (1 of 4 stars; one submission).

Submission:

Labcorp Genetics (formerly Invitae), Labcorp
Classification: Uncertain significance. Last evaluated: 2025-03-30. Review status: criteria provided, single submitter. Criteria: Invitae Variant Classification Sherloc (09022015). Collection method: clinical testing. Allele origin: germline.
Comment: This sequence change falls in intron 7 of the LZTR1 gene. It does not directly change the encoded amino acid sequence of the LZTR1 protein. This variant is not present in population databases (gnomAD no frequency). This variant has not been reported in the literature in individuals affected with LZTR1-related conditions. Experimental studies and prediction algorithms are not available or were not evaluated, and the effect of this variant on mRNA splicing is currently unknown. In summary, the available evidence is currently insufficient to determine the role of this variant in disease. Therefore, it has been classified as a Variant of Uncertain Significance.

NM_006767.4(LZTR1):c.651+10_651+83dup

Gene: LZTR1 (leucine zipper like post translational regulator 1; plus strand). Cytogenetic location: 22q11.21.
Variant type: Duplication.
Coding change: c.651+10_651+83dup on transcript NM_006767.4 (MANE Select); bases 10 to 83 of the intron after coding-DNA position 651, 74 bases duplicated.
Molecular consequence: splice donor variant.
Genome position (GRCh38, 1-based): chr22:20,989,692-20,989,765, 74 bases duplicated. GRCh37 (hg19): chr22:21,343,981-21,344,054.
Identifiers: ClinVar variation 4716294 (VCV004716294.1).